The following is an entry in ClinVar:

ClinVar aggregate classification (germline): Uncertain significance. Review status: criteria provided, multiple submitters, no conflicts (2 of 4 stars). 3 submissions from 3 submitters: Uncertain significance (3). Last evaluated 2025-06-02.

Conditions:
Familial cancer of breast. Also called: BREAST CANCER, FAMILIAL; Hereditary breast cancer; hereditary breast carcinoma. Identifiers: Orphanet 227535, MedGen C0346153, MONDO:0016419, OMIM 114480. Disease mechanism: loss of function.
Hereditary cancer-predisposing syndrome. Also called: Neoplastic Syndromes, Hereditary; Tumor predisposition; Hereditary Cancer Syndrome; Hereditary neoplastic syndrome. Identifiers: Orphanet 140162, MedGen C0027672, MeSH D009386, MONDO:0015356.

Submissions (3):

Ambry Genetics
Classification: Uncertain significance for Hereditary cancer-predisposing syndrome. Last evaluated: 2025-06-02. Review status: criteria provided, single submitter. Criteria: Ambry Variant Classification Scheme 2023. Collection method: clinical testing. Allele origin: germline.
Comment: The p.D280G variant (also known as c.839A>G), located in coding exon 6 of the BRIP1 gene, results from an A to G substitution at nucleotide position 839. The aspartic acid at codon 280 is replaced by glycine, an amino acid with similar properties. This amino acid position is well conserved in available vertebrate species. In addition, the in silico prediction for this alteration is inconclusive. Since supporting evidence is limited at this time, the clinical significance of this alteration remains unclear.

Color Diagnostics, LLC DBA Color Health
Classification: Uncertain significance for Hereditary cancer-predisposing syndrome. Last evaluated: 2024-03-06. Review status: criteria provided, single submitter. Criteria: ACMG Guidelines, 2015. Collection method: clinical testing. Allele origin: germline.
Comment: This missense variant replaces aspartic acid with glycine at codon 280 of the BRIP1 protein. Computational prediction tools and conservation analyses are inconclusive regarding the impact of this variant on protein structure and function. Splice site prediction tools suggest that this variant may not impact RNA splicing. To our knowledge, functional studies have not been performed for this variant. This variant has not been reported in individuals affected with hereditary cancer in the literature. This variant has not been identified in the general population by the Genome Aggregation Database (gnomAD). The available evidence is insufficient to determine the role of this variant in disease conclusively. Therefore, this variant is classified as a Variant of Uncertain Significance.

KCCC/NGS Laboratory, Kuwait Cancer Control Center
Classification: Uncertain significance for Familial cancer of breast. Last evaluated: 2023-05-17. Review status: criteria provided, single submitter. Criteria: ACMG Guidelines, 2015. Collection method: clinical testing. Allele origin: unknown. Inheritance: Autosomal dominant inheritance. Affected: yes.
Comment: a variant of uncertain significance was detected in the BRIP1 gene (c.839A>G). This missense variant replaces aspartic acid with glycine at codon 280 of the BRIP1 protein.This variant has not been identified in the general population by the Genome Aggregation Database (gnomAD) nor in our local database. This amino acid position is not well conserved ( PhyloP=5.6) Computational prediction tools analyses are inconclusive regarding the impact of this variant on protein structure and function. Splice site prediction tools suggest that this variant may not impact RNA splicing. To our knowledge, functional studies have not been performed for this variant. This variant has not been reported in individuals affected with hereditary cancer in the literature. The available evidence is insufficient to determine the role of this variant in disease conclusively. Therefore, this variant is classified as a Variant of Uncertain Significance.

NM_032043.3(BRIP1):c.839A>G (p.Asp280Gly)

Gene: BRIP1 (BRCA1 interacting DNA helicase 1; minus strand). Cytogenetic location: 17q23.2.
Variant type: single nucleotide variant.
Coding change: c.839A>G on transcript NM_032043.3 (MANE Select); coding-DNA position 839, A replaced by G.
Protein change: p.Asp280Gly; replaces aspartic acid 280 with glycine.
Molecular consequence: missense variant.
Genome position (GRCh38, 1-based): chr17:61,808,546, T>C on the plus strand (A>G on the coding strand, the complement: BRIP1 is on the minus strand). VCF-style: chr17-61808546-T-C. GRCh37 (hg19) VCF-style: chr17-59885907-T-C.
Other names: short protein forms D280G.
Identifiers: ClinVar variation 485461 (VCV000485461.12), dbSNP rs1555609193, ClinGen allele CA400484807.